The following is an entry in ClinVar:

NM_002381.5(MATN3):c.651C>T (p.Leu217=)

Gene: MATN3 (matrilin 3; minus strand). Cytogenetic location: 2p24.1.
Variant type: single nucleotide variant.
Coding change: c.651C>T on transcript NM_002381.5 (MANE Select); coding-DNA position 651, C replaced by T.
Protein change: p.Leu217=; no amino-acid change (leucine 217 retained).
Molecular consequence: synonymous variant.
Genome position (GRCh38, 1-based): chr2:20,005,883, G>A on the plus strand (C>T on the coding strand, the complement: MATN3 is on the minus strand). VCF-style: chr2-20005883-G-A. GRCh37 (hg19) VCF-style: chr2-20205644-G-A.
Identifiers: ClinVar variation 2650700 (VCV002650700.27), dbSNP rs766686702, ClinGen allele CA1543933.
Genomic context (GRCh38, chr2:20,005,883, plus strand): 5'-GGGCTCACTGGCCATCATCTTGAGGGACGCCATGTCTGCCCGGTCCACGCCCACAGCATA[G>A]AGCTCAATACCAGATGCTTGGGCCCGAGCCGCCACCTCATTCACCTGGTCCTGGGGCCTC-3'
Protein context (NP_002372.1, residues 207-227): AARAQASGIE[Leu217=]YAVGVDRADM

ClinVar aggregate classification (germline): Likely benign. Review status: criteria provided, multiple submitters, no conflicts (2 of 4 stars). 2 submissions from 2 submitters: Likely benign (2). Last evaluated 2023-09-09.

Allele frequency attached by ClinVar (database versions not stated): gnomAD 0.00003; gnomAD exomes 0.00003; TOPMed 0.00005; ExAC 0.00006.
gnomAD v4.1: 46 of 1,609,536 alleles (0.0029%); highest among the groups gnomAD compares: Non-Finnish European, 0.0038%; no homozygotes.

Submissions (2):

Labcorp Genetics (formerly Invitae), Labcorp
Classification: Likely benign. Last evaluated: 2023-09-09. Review status: criteria provided, single submitter. Criteria: Invitae Variant Classification Sherloc (09022015). Collection method: clinical testing. Allele origin: germline.

CeGaT Center for Human Genetics Tuebingen
Classification: Likely benign. Last evaluated: 2023-04-01. Review status: criteria provided, single submitter. Criteria: CeGaT Center For Human Genetics Tuebingen Variant Classification Criteria Version 2. Collection method: clinical testing. Allele origin: germline. Affected: yes. Observed: 1 variant allele.
Comment: MATN3: BP4, BP7